The following is an entry in ClinVar:

ClinVar aggregate classification (germline): Uncertain significance (1 of 4 stars; one submission).

Conditions:
Hereditary spastic paraplegia 48. Also called: SPASTIC PARAPLEGIA 48, AUTOSOMAL RECESSIVE; Spastic paraplegia 48. Identifiers: Orphanet 306511, MedGen C3150901, MONDO:0013342, OMIM 613647.

Allele frequency attached by ClinVar (database versions not stated): ExAC 0.00001; gnomAD 0.00001; gnomAD exomes 0.00001; TOPMed 0.00001.
gnomAD v4.1: 13 of 1,608,660 alleles (0.00081%); highest among the groups gnomAD compares: South Asian, 0.0011%; no homozygotes.

Submission:

Labcorp Genetics (formerly Invitae), Labcorp
Classification: Uncertain significance for Hereditary spastic paraplegia 48. Last evaluated: 2021-08-30. Review status: criteria provided, single submitter. Criteria: Invitae Variant Classification Sherloc (09022015). Collection method: clinical testing. Allele origin: germline.
Comment: This sequence change replaces glutamic acid with lysine at codon 680 of the AP5Z1 protein (p.Glu680Lys). The glutamic acid residue is highly conserved and there is a small physicochemical difference between glutamic acid and lysine. The frequency data for this variant in the population databases is considered unreliable, as metrics indicate poor data quality at this position in the ExAC database. This variant has not been reported in the literature in individuals affected with AP5Z1-related conditions. Algorithms developed to predict the effect of missense changes on protein structure and function are either unavailable or do not agree on the potential impact of this missense change (SIFT: "Deleterious"; PolyPhen-2: "Probably Damaging"; Align-GVGD: "Class C0"). In summary, the available evidence is currently insufficient to determine the role of this variant in disease. Therefore, it has been classified as a Variant of Uncertain Significance.

NM_014855.3(AP5Z1):c.2038G>A (p.Glu680Lys)

Gene: AP5Z1 (adaptor related protein complex 5 subunit zeta 1; plus strand). Cytogenetic location: 7p22.1.
Variant type: single nucleotide variant.
Coding change: c.2038G>A on transcript NM_014855.3 (MANE Select); coding-DNA position 2038, G replaced by A.
Protein change: p.Glu680Lys; replaces glutamic acid 680 with lysine.
Molecular consequence: missense variant. On other transcripts: non-coding transcript variant (1).
Genome position (GRCh38, 1-based): chr7:4,790,772, G>A. VCF-style: chr7-4790772-G-A. GRCh37 (hg19) VCF-style: chr7-4830403-G-A.
Other names: c.2038G>A, p.Glu680Lys (LRG_1247t1); c.1570G>A, p.Glu524Lys (NM_001364858.1); short protein forms E680K, E524K.
Identifiers: ClinVar variation 538857 (VCV000538857.6), dbSNP rs745870220, ClinGen allele CA4138273.
Genomic context (GRCh38, chr7:4,790,772, plus strand): 5'-CGGAGGTGCACCGTGGAGCAGATCAACAAGTTCTTCGAAGCCCTGGAGGCTCTGCTATTC[G>A]AGGTCACCCAGTGCCGCCCCTCTGCTGCCCTGCCCAGGTGTCCCCCCCAGGTGGTCACCG-3'
Protein context (NP_055670.1, residues 670-690): FFEALEALLF[Glu680Lys]VTQCRPSAAL